The following is an entry in ClinVar:

ClinVar aggregate classification (germline): Uncertain significance. Review status: criteria provided, multiple submitters, no conflicts (2 of 4 stars). 3 submissions from 3 submitters: Uncertain significance (3). Last evaluated 2026-04-07.

Conditions:
SLC22A12-related disorder. Also called: SLC22A12-related condition.

Allele frequency attached by ClinVar (database versions not stated): ESP Exome Variant Server 0.00038.
gnomAD v4.1: 337 of 1,613,872 alleles (0.021%); highest among the groups gnomAD compares: Non-Finnish European, 0.027%; no homozygotes.

Submissions (3):

PreventionGenetics, part of Exact Sciences
Classification: Uncertain significance for SLC22A12-related condition. Last evaluated: 2026-04-07. Review status: criteria provided, single submitter. Criteria: ACMG Guidelines, 2015. Collection method: clinical testing. Allele origin: germline.
Comment: The SLC22A12 c.431T>C variant is predicted to result in the amino acid substitution p.Leu144Pro. This variant was reported in the heterozygous state in individual with renal hypouricemia (Halbritter et al. 2015. PubMed ID: 25296721). This variant is reported in 0.019% of alleles in individuals of European (non-Finnish) descent in gnomAD. At this time, the clinical significance of this variant is uncertain due to the absence of conclusive functional and genetic evidence.

Blueprint Genetics
Classification: Uncertain significance. Last evaluated: 2024-11-26. Review status: criteria provided, single submitter. Criteria: ACMG Guidelines, 2015. Collection method: clinical testing. Allele origin: germline.

Labcorp Genetics (formerly Invitae), Labcorp
Classification: Uncertain significance. Last evaluated: 2022-05-20. Review status: criteria provided, single submitter. Criteria: Invitae Variant Classification Sherloc (09022015). Collection method: clinical testing. Allele origin: germline.
Comment: This sequence change replaces leucine, which is neutral and non-polar, with proline, which is neutral and non-polar, at codon 144 of the SLC22A12 protein (p.Leu144Pro). This variant is present in population databases (rs148915713, gnomAD 0.02%). This missense change has been observed in individual(s) with hypouricemia (PMID: 25296721). Algorithms developed to predict the effect of missense changes on protein structure and function (SIFT, PolyPhen-2, Align-GVGD) all suggest that this variant is likely to be disruptive. In summary, the available evidence is currently insufficient to determine the role of this variant in disease. Therefore, it has been classified as a Variant of Uncertain Significance.

Literature cited by the submitters: PubMed 25296721 (cited by Labcorp Genetics (formerly Invitae), Labcorp).

NM_144585.4(SLC22A12):c.431T>C (p.Leu144Pro)

Gene: SLC22A12 (solute carrier family 22 member 12; plus strand). Cytogenetic location: 11q13.1.
Variant type: single nucleotide variant.
Coding change: c.431T>C on transcript NM_144585.4 (MANE Select); coding-DNA position 431, T replaced by C.
Protein change: p.Leu144Pro; replaces leucine 144 with proline.
Molecular consequence: missense variant. On other transcripts: 5 prime UTR variant (1).
Genome position (GRCh38, 1-based): chr11:64,592,807, T>C. VCF-style: chr11-64592807-T-C. GRCh37 (hg19) VCF-style: chr11-64360279-T-C.
Other names: c.431T>C, p.Leu144Pro (NM_001276326.2, NM_001276327.2); c.-78T>C (NM_153378.3); c.431T>C (NM_144585.3); short protein forms L144P.
Identifiers: ClinVar variation 2056246 (VCV002056246.3), dbSNP rs148915713, ClinGen allele CA6077074.